The following is an entry in ClinVar:

ClinVar aggregate classification (germline): Pathogenic (1 of 4 stars; one submission).

Submission:

GeneDx
Classification: Pathogenic. Last evaluated: 2016-06-23. Review status: criteria provided, single submitter. Criteria: GeneDx Variant Classification (06012015). Collection method: clinical testing. Allele origin: germline. Affected: yes.
Comment: The c.1697delA pathogenic variant in the GLI3 gene causes a frameshift starting with codon Histidine 566, changes this amino acid to a Proline residue and creates a premature Stop codon at position 2 of the new reading frame, denoted p.His566ProfsX2. This pathogenic variant is predicted to cause loss of normal protein function either through protein truncation or nonsense-mediated mRNA decay. The c.1697delA variant was not observed in approximately 6,500 individuals of European and African American ancestry in the NHLBI Exome Sequencing Project, indicating it is not a common benign variant in these populations.

NM_000168.6(GLI3):c.1697del (p.His566fs)

Gene: GLI3 (GLI family zinc finger 3; minus strand). Cytogenetic location: 7p14.1.
Variant type: Deletion.
Coding change: c.1697del on transcript NM_000168.6 (MANE Select); coding-DNA position 1697, one base deleted (A; older notation c.1697delA).
Protein change: p.His566fs; shifts the reading frame from histidine 566.
Molecular consequence: frameshift variant.
Genome position (GRCh38, 1-based): chr7:41,977,673, T deleted on the plus strand (A on the coding strand, the reverse complement: GLI3 is on the minus strand). VCF-style (leftmost placement, unchanged base first): chr7-41977672-GT-G. GRCh37 (hg19) VCF-style: chr7-42017271-GT-G.
Other names: short protein forms H566fs.
Identifiers: ClinVar variation 265612 (VCV000265612.2), dbSNP rs886039667, ClinGen allele CA10588427.
Genomic context (GRCh38, chr7:41,977,672, plus strand): 5'-AGCCTTGTTGCAACCTTCGTGCTCACAGACGTATGGTTTCTCTCCAGTGTGAGATCTCAA[GT>G]GTGTTTTCAAGTTTTCTAGTCTCGAGTAGGCCTTTGTGCAACCTTCAAACTGAGGACAAC-3'